The following is an entry in ClinVar:

NM_020774.4(MIB1):c.1097T>C (p.Leu366Ser)

Gene: MIB1 (MIB E3 ubiquitin protein ligase 1; plus strand). Cytogenetic location: 18q11.2.
Variant type: single nucleotide variant.
Coding change: c.1097T>C on transcript NM_020774.4 (MANE Select); coding-DNA position 1097, T replaced by C.
Protein change: p.Leu366Ser; replaces leucine 366 with serine.
Molecular consequence: missense variant.
Genome position (GRCh38, 1-based): chr18:21,798,088, T>C. VCF-style: chr18-21798088-T-C. GRCh37 (hg19) VCF-style: chr18-19378049-T-C.
Other names: short protein forms L366S.
Identifiers: ClinVar variation 3294691 (VCV003294691.1).
Genomic context (GRCh38, chr18:21,798,088, plus strand): 5'-TGACTTTATGGTATATACTTTAGACTTGGAAACATGAATCTATTTTTTTCCCCAAGACTT[T>C]AGGTAAAGTTGGCCGAGTACAACAGATTTATTCAGACAGTGATTTAAAGGTGGAAGTTTG-3'
Protein context (NP_065825.1, residues 356-376): GEWAEAMLPT[Leu366Ser]GKVGRVQQIY

ClinVar aggregate classification (germline): Uncertain significance (1 of 4 stars; one submission).

Conditions:
Inborn genetic diseases. Identifiers: MedGen C0950123, MeSH D030342.

gnomAD v4.1: 2 of 1,612,708 alleles (0.00012%); highest among the groups gnomAD compares: South Asian, 0.0011%; no homozygotes.

Submission:

Ambry Genetics
Classification: Uncertain significance for Inborn genetic diseases. Last evaluated: 2024-05-30. Review status: criteria provided, single submitter. Criteria: Ambry Variant Classification Scheme 2023. Collection method: clinical testing. Allele origin: germline.
Comment: The p.L366S variant (also known as c.1097T>C), located in coding exon 8 of the MIB1 gene, results from a T to C substitution at nucleotide position 1097. The leucine at codon 366 is replaced by serine, an amino acid with dissimilar properties. This amino acid position is conserved. In addition, the in silico prediction for this alteration is inconclusive. Based on the available evidence, the clinical significance of this variant remains unclear.